The following is an entry in ClinVar:

NM_024675.4(PALB2):c.2546G>A (p.Ser849Asn)

Gene: PALB2 (partner and localizer of BRCA2; minus strand). Cytogenetic location: 16p12.2.
Variant type: single nucleotide variant.
Coding change: c.2546G>A on transcript NM_024675.4 (MANE Select); coding-DNA position 2546, G replaced by A.
Protein change: p.Ser849Asn; replaces serine 849 with asparagine.
Molecular consequence: missense variant.
Genome position (GRCh38, 1-based): chr16:23,629,244, C>T on the plus strand (G>A on the coding strand, the complement: PALB2 is on the minus strand). VCF-style: chr16-23629244-C-T. GRCh37 (hg19) VCF-style: chr16-23640565-C-T.
Other names: c.2486G>A, p.Ser829Asn (NM_001407296.1); c.2546G>A, p.Ser849Asn (NM_001407298.1, NM_001407299.1, NM_001407300.1 and 2 more transcripts); c.1661G>A, p.Ser554Asn (NM_001407304.1, NM_001407305.1, NM_001407306.1 and 5 more transcripts); c.758G>A, p.Ser253Asn (NM_001407312.1, NM_001407313.1); c.80G>A, p.Ser27Asn (NM_001407314.1); short protein forms S253N, S554N, S27N, S829N, S849N.
Identifiers: ClinVar variation 2111069 (VCV002111069.4), dbSNP rs2142368569, ClinGen allele CA395123792.
Genomic context (GRCh38, chr16:23,629,244, plus strand): 5'-GAAGAGAATATTCTTCTGACCTTTAACTCTGAAACCAATTGTAGGTTGCCTGGGTTTATG[C>T]TATCAGAAGCAGGAAGCTCTGCTGTTTCAGTCTGTGAAAACAAAAGTCACATCATTAGTC-3'
Protein context (NP_078951.2, residues 839-859): TETAELPASD[Ser849Asn]INPGNLQLVS

ClinVar aggregate classification (germline): Uncertain significance (1 of 4 stars; one submission).

Conditions:
Familial cancer of breast. Also called: hereditary breast carcinoma; BREAST CANCER, FAMILIAL; Hereditary breast cancer. Identifiers: Orphanet 227535, MedGen C0346153, MONDO:0016419, OMIM 114480. Disease mechanism: loss of function.

Submission:

Labcorp Genetics (formerly Invitae), Labcorp
Classification: Uncertain significance for Familial cancer of breast. Last evaluated: 2022-03-13. Review status: criteria provided, single submitter. Criteria: Invitae Variant Classification Sherloc (09022015). Collection method: clinical testing. Allele origin: germline.
Comment: In summary, the available evidence is currently insufficient to determine the role of this variant in disease. Therefore, it has been classified as a Variant of Uncertain Significance. Algorithms developed to predict the effect of missense changes on protein structure and function output the following: SIFT: "Tolerated"; PolyPhen-2: "Benign"; Align-GVGD: "Class C0". The asparagine amino acid residue is found in multiple mammalian species, which suggests that this missense change does not adversely affect protein function. This variant has not been reported in the literature in individuals affected with PALB2-related conditions. This variant is not present in population databases (gnomAD no frequency). This sequence change replaces serine, which is neutral and polar, with asparagine, which is neutral and polar, at codon 849 of the PALB2 protein (p.Ser849Asn).